The following is an entry in ClinVar:

ClinVar aggregate classification (germline): Benign/Likely benign. Review status: criteria provided, multiple submitters, no conflicts (2 of 4 stars). 3 submissions from 3 submitters: Benign (1); Likely benign (2). Last evaluated 2025-02-06.

Conditions:
POLD1-related polyposis and colorectal cancer syndrome (CRCS10). Also called: Colorectal cancer 10; COLORECTAL CANCER, SUSCEPTIBILITY TO, ON CHROMOSOME 19q; Colorectal cancer, susceptibility to, 10. Identifiers: Orphanet 220460, MedGen C2675481, MONDO:0012953, OMIM 612591.
Hereditary cancer-predisposing syndrome. Also called: Tumor predisposition; Hereditary Cancer Syndrome; Hereditary neoplastic syndrome; Neoplastic Syndromes, Hereditary. Identifiers: Orphanet 140162, MedGen C0027672, MeSH D009386, MONDO:0015356.

Allele frequency attached by ClinVar (database versions not stated): gnomAD exomes below 0.00001.

Submissions (3):

Myriad Genetics, Inc.
Classification: Benign for POLD1-related polyposis and colorectal cancer syndrome. Last evaluated: 2025-02-06. Review status: criteria provided, single submitter. Criteria: Myriad Autosomal Dominant, Autosomal Recessive and X-Linked Classification Criteria (2023). Collection method: clinical testing. Allele origin: unknown.
Comment: This variant is considered benign. This variant is a silent/synonymous amino acid change and it is not expected to impact splicing.

Labcorp Genetics (formerly Invitae), Labcorp
Classification: Likely benign for POLD1-related polyposis and colorectal cancer syndrome. Last evaluated: 2024-05-06. Review status: criteria provided, single submitter. Criteria: Invitae Variant Classification Sherloc (09022015). Collection method: clinical testing. Allele origin: germline.

Ambry Genetics
Classification: Likely benign for Hereditary cancer-predisposing syndrome. Last evaluated: 2017-03-31. Review status: criteria provided, single submitter. Criteria: Ambry Variant Classification Scheme 2023. Collection method: clinical testing. Allele origin: germline.

NM_002691.4(POLD1):c.1398G>A (p.Glu466=)

Gene: POLD1 (DNA polymerase delta 1, catalytic subunit; plus strand). Cytogenetic location: 19q13.33.
Variant type: single nucleotide variant.
Coding change: c.1398G>A on transcript NM_002691.4 (MANE Select); coding-DNA position 1398, G replaced by A.
Protein change: p.Glu466=; no amino-acid change (glutamic acid 466 retained).
Molecular consequence: synonymous variant. On other transcripts: non-coding transcript variant (1).
Genome position (GRCh38, 1-based): chr19:50,406,421, G>A. VCF-style: chr19-50406421-G-A. GRCh37 (hg19) VCF-style: chr19-50909678-G-A.
Other names: c.1398G>A, p.Glu466= (NM_001256849.1, NM_001308632.1).
Identifiers: ClinVar variation 484423 (VCV000484423.15), dbSNP rs1555791173, ClinGen allele CA508304855.
Genomic context (GRCh38, chr19:50,406,421, plus strand): 5'-GGCCACTGCCCAGGCCCGCAGCCCACCAGCCCACCCACCCACCTAGGTGCTGCTGCGGGA[G>A]TACAAGCTCCGCTCCTACACGCTCAATGCCGTGAGCTTCCACTTCCTGGGCGAGCAGAAG-3'
Protein context (NP_002682.2, residues 456-476): QMDMLQVLLR[Glu466=]YKLRSYTLNA